The following is an entry in ClinVar:

NM_005228.5(EGFR):c.1693C>G (p.Gln565Glu)

Gene: EGFR (epidermal growth factor receptor; plus strand). Cytogenetic location: 7p11.2.
Variant type: single nucleotide variant.
Coding change: c.1693C>G on transcript NM_005228.5 (MANE Select); coding-DNA position 1693, C replaced by G.
Protein change: p.Gln565Glu; replaces glutamine 565 with glutamic acid.
Molecular consequence: missense variant.
Genome position (GRCh38, 1-based): chr7:55,163,794, C>G. VCF-style: chr7-55163794-C-G. GRCh37 (hg19) VCF-style: chr7-55231487-C-G.
Other names: c.1693C>G (NM_005228.3); c.1558C>G, p.Gln520Glu (NM_001346897.2, NM_001346899.2); c.1693C>G, p.Gln565Glu (NM_001346898.2, NM_201282.2, NM_201284.2); c.1534C>G, p.Gln512Glu (NM_001346900.2); c.892C>G, p.Gln298Glu (NM_001346941.2); short protein forms Q298E, Q512E, Q520E, Q565E.
Identifiers: ClinVar variation 1013692 (VCV001013692.9), dbSNP rs1785823081, ClinGen allele CA367580536.

ClinVar aggregate classification (germline): Uncertain significance. Review status: criteria provided, multiple submitters, no conflicts (2 of 4 stars). 2 submissions from 2 submitters: Uncertain significance (2). Last evaluated 2025-07-14.

Conditions:
Hereditary cancer-predisposing syndrome. Also called: Hereditary Cancer Syndrome; Tumor predisposition; Neoplastic Syndromes, Hereditary; Hereditary neoplastic syndrome. Identifiers: Orphanet 140162, MedGen C0027672, MeSH D009386, MONDO:0015356.
EGFR-related lung cancer (EGFR). Identifiers: MedGen CN130014.

Submissions (2):

Ambry Genetics
Classification: Uncertain significance for Hereditary cancer-predisposing syndrome. Last evaluated: 2025-07-14. Review status: criteria provided, single submitter. Criteria: Ambry Variant Classification Scheme 2023. Collection method: clinical testing. Allele origin: germline.
Comment: The p.Q565E variant (also known as c.1693C>G), located in coding exon 14 of the EGFR gene, results from a C to G substitution at nucleotide position 1693. The glutamine at codon 565 is replaced by glutamic acid, an amino acid with highly similar properties. This amino acid position is conserved. In addition, this alteration is predicted to be tolerated by in silico analysis. Based on the available evidence, the clinical significance of this variant remains unclear.

Labcorp Genetics (formerly Invitae), Labcorp
Classification: Uncertain significance for EGFR-related lung cancer. Last evaluated: 2020-09-10. Review status: criteria provided, single submitter. Criteria: Invitae Variant Classification Sherloc (09022015). Collection method: clinical testing. Allele origin: germline.
Comment: This variant is not present in population databases (ExAC no frequency). This variant has not been reported in the literature in individuals with EGFR-related conditions. Algorithms developed to predict the effect of missense changes on protein structure and function (SIFT, PolyPhen-2, Align-GVGD) all suggest that this variant is likely to be tolerated, but these predictions have not been confirmed by published functional studies and their clinical significance is uncertain. In summary, the available evidence is currently insufficient to determine the role of this variant in disease. Therefore, it has been classified as a Variant of Uncertain Significance. This sequence change replaces glutamine with glutamic acid at codon 565 of the EGFR protein (p.Gln565Glu). The glutamine residue is moderately conserved and there is a small physicochemical difference between glutamine and glutamic acid.